The following is an entry in ClinVar:

ClinVar aggregate classification (germline): Conflicting classifications of pathogenicity. Review status: criteria provided, conflicting classifications (1 of 4 stars). 8 submissions from 8 submitters: Uncertain significance (4); Likely benign (1). 3 of the submissions do not count toward it. Last evaluated 2025-10-02.

Conditions:
TTN-related disorder. Also called: TTN-related disorders; TTN-related condition; TTN-related disease.
Hypertrophic cardiomyopathy 9. Also called: Familial hypertrophic cardiomyopathy 9. Identifiers: MedGen C1861065, MONDO:0013412, OMIM 613765.

Allele frequency attached by ClinVar (database versions not stated): gnomAD 0.00001; gnomAD exomes 0.00002; TOPMed 0.00002.
gnomAD v4.1: 37 of 1,608,844 alleles (0.0023%); highest among the groups gnomAD compares: Non-Finnish European, 0.0031%; no homozygotes.

Submissions (8):

PreventionGenetics, part of Exact Sciences
Classification: Uncertain significance for TTN-related condition. Last evaluated: 2025-10-02. Review status: criteria provided, single submitter. Criteria: ACMG Guidelines, 2015. Collection method: clinical testing. Allele origin: germline.
Comment: The TTN c.101728G>A variant is predicted to result in the amino acid substitution p.Glu33910Lys. To our knowledge, this variant has not been reported in the literature. This variant is reported in 0.0051% of alleles in individuals of East Asian descent in gnomAD. At this time, the clinical significance of this variant is uncertain due to the absence of conclusive functional and genetic evidence.

KardioGenetik, Herz- und Diabeteszentrum NRW
Classification: Uncertain significance for Hypertrophic cardiomyopathy 9. Last evaluated: 2024-04-02. Review status: criteria provided, single submitter. Criteria: ACMG Guidelines, 2015. Collection method: clinical testing. Allele origin: unknown. Affected: yes. Observed: 1 variant allele.

Revvity Omics, Revvity
Classification: Uncertain significance. Last evaluated: 2020-02-13. Review status: criteria provided, single submitter. Criteria: ACMG Guidelines, 2015. Collection method: clinical testing. Allele origin: germline.

Women's Health and Genetics/Laboratory Corporation of America, LabCorp
Classification: Uncertain significance. Last evaluated: 2020-01-06. Review status: criteria provided, single submitter. Criteria: LabCorp Variant Classification Summary - May 2015. Collection method: clinical testing. Allele origin: germline.
Comment: Variant summary: TTN c.94024G>A (p.Glu31342Lys) results in a conservative amino acid change located in the M-band of the encoded protein sequence. Three of five in-silico tools predict a damaging effect of the variant on protein function. The variant allele was found at a frequency of 2.4e-05 in 244972 control chromosomes. The available data on variant occurrences in the general population are insufficient to allow any conclusion about variant significance. To our knowledge, no occurrence of c.94024G>A in individuals affected with Cardiomyopathy and no experimental evidence demonstrating its impact on protein function have been reported. One clinical diagnostic laboratory has submitted clinical-significance assessments for this variant to ClinVar after 2014 without evidence for independent evaluation and classified the variant as likely benign. Based on the evidence outlined above, the variant was classified as uncertain significance.

GeneDx
Classification: Likely benign. Last evaluated: 2019-07-11. Review status: criteria provided, single submitter. Criteria: GeneDx Variant Classification Process June 2021. Collection method: clinical testing. Allele origin: germline. Affected: yes.

Clinical Genetics, Academic Medical Center
Classification: Uncertain significance. Review status: no assertion criteria provided. Collection method: clinical testing. Allele origin: germline. Affected: yes. Study: VKGL Data-share Consensus. Not counted in ClinVar's aggregate classification.

Diagnostic Laboratory, Department of Genetics, University Medical Center Groningen
Classification: Uncertain significance. Review status: no assertion criteria provided. Collection method: clinical testing. Allele origin: germline. Affected: yes. Study: VKGL Data-share Consensus. Not counted in ClinVar's aggregate classification.

Laboratory of Diagnostic Genome Analysis, Leiden University Medical Center (LUMC)
Classification: Uncertain significance. Review status: no assertion criteria provided. Collection method: clinical testing. Allele origin: germline. Affected: yes. Study: VKGL Data-share Consensus. Not counted in ClinVar's aggregate classification.

NM_001267550.2(TTN):c.101728G>A (p.Glu33910Lys)

Genes: TTN (titin; minus strand), TTN-AS1 (TTN antisense RNA 1; plus strand). Cytogenetic location: 2q31.2.
Variant type: single nucleotide variant.
Coding change: c.101728G>A on transcript NM_001267550.2 (MANE Select); coding-DNA position 101728, G replaced by A.
Protein change: p.Glu33910Lys; replaces glutamic acid 33910 with lysine.
Molecular consequence: missense variant.
Genome position (GRCh38, 1-based): chr2:178,534,887, C>T on the plus strand (G>A on the coding strand, the complement: TTN is on the minus strand). VCF-style: chr2-178534887-C-T. GRCh37 (hg19) VCF-style: chr2-179399614-C-T.
Other names: c.96805G>A, p.Glu32269Lys (NM_001256850.1); c.74533G>A, p.Glu24845Lys (NM_003319.4); c.94024G>A, p.Glu31342Lys (NM_133378.4); c.74908G>A, p.Glu24970Lys (NM_133432.3); c.75109G>A, p.Glu25037Lys (NM_133437.4); short protein forms E31342K, E24970K, E32269K, E24845K, E25037K, E33910K.
Identifiers: ClinVar variation 675868 (VCV000675868.14), dbSNP rs943777958, ClinGen allele CA60959699.